The following is an entry in ClinVar:

NM_000238.4(KCNH2):c.1241T>A (p.Ile414Asn)

Gene: KCNH2 (potassium voltage-gated channel subfamily H member 2; minus strand). Cytogenetic location: 7q36.1.
Variant type: single nucleotide variant.
Coding change: c.1241T>A on transcript NM_000238.4 (MANE Select); coding-DNA position 1241, T replaced by A.
Protein change: p.Ile414Asn; replaces isoleucine 414 with asparagine.
Molecular consequence: missense variant.
Genome position (GRCh38, 1-based): chr7:150,952,741, A>T on the plus strand (T>A on the coding strand, the complement: KCNH2 is on the minus strand). VCF-style: chr7-150952741-A-T. GRCh37 (hg19) VCF-style: chr7-150649829-A-T.
Other names: c.221T>A, p.Ile74Asn (NM_001204798.2, NM_172057.3); c.953T>A, p.Ile318Asn (NM_001406753.1, NM_001406756.1); c.1064T>A, p.Ile355Asn (NM_001406755.1); c.941T>A, p.Ile314Asn (NM_001406757.1); c.1241T>A, p.Ile414Asn (NM_172056.3); short protein forms I74N, I314N, I355N, I414N, I318N.
Identifiers: ClinVar variation 2010881 (VCV002010881.4), dbSNP rs2486049704, ClinGen allele CA369860141.

ClinVar aggregate classification (germline): Uncertain significance (1 of 4 stars; one submission).

Conditions:
Long QT syndrome (LQTS). Identifiers: MedGen C0023976, MeSH D008133, MONDO:0002442. Disease mechanism: loss of function. Inheritance: Various modes of inheritance.

Submission:

Labcorp Genetics (formerly Invitae), Labcorp
Classification: Uncertain significance for Long QT syndrome. Last evaluated: 2022-06-26. Review status: criteria provided, single submitter. Criteria: Invitae Variant Classification Sherloc (09022015). Collection method: clinical testing. Allele origin: germline.
Comment: This sequence change replaces isoleucine, which is neutral and non-polar, with asparagine, which is neutral and polar, at codon 414 of the KCNH2 protein (p.Ile414Asn). This variant is not present in population databases (gnomAD no frequency). This variant has not been reported in the literature in individuals affected with KCNH2-related conditions. Algorithms developed to predict the effect of missense changes on protein structure and function (SIFT, PolyPhen-2, Align-GVGD) all suggest that this variant is likely to be disruptive. In summary, the available evidence is currently insufficient to determine the role of this variant in disease. Therefore, it has been classified as a Variant of Uncertain Significance.